The following is an entry in ClinVar:

ClinVar aggregate classification (germline): Likely benign (0 of 4 stars; one submission).

Conditions:
TRIM55-related disorder. Also called: TRIM55-related condition.

Submission:

PreventionGenetics, part of Exact Sciences
Classification: Likely benign for TRIM55-related condition. Last evaluated: 2019-04-10. Review status: no assertion criteria provided. Collection method: clinical testing. Allele origin: germline.
Comment: This variant is classified as likely benign based on ACMG/AMP sequence variant interpretation guidelines (Richards et al. 2015 PMID: 25741868, with internal and published modifications).

NM_184085.2(TRIM55):c.1439G>T (p.Arg480Leu)

Gene: TRIM55 (tripartite motif containing 55; plus strand). Cytogenetic location: 8q13.1.
Variant type: single nucleotide variant.
Coding change: c.1439G>T on transcript NM_184085.2 (MANE Select); coding-DNA position 1439, G replaced by T.
Protein change: p.Arg480Leu; replaces arginine 480 with leucine.
Molecular consequence: missense variant. On other transcripts: intron variant (2).
Genome position (GRCh38, 1-based): chr8:66,154,249, G>T. VCF-style: chr8-66154249-G-T. GRCh37 (hg19) VCF-style: chr8-67066484-G-T.
Other names: c.1439G>T, p.Arg480Leu (NM_033058.3); c.1236+1622G>T (NM_184086.2); c.603+17059G>T (NM_184087.2); short protein forms R480L.
Identifiers: ClinVar variation 3057281 (VCV003057281.2), dbSNP rs758591514, ClinGen allele CA371354038.
Genomic context (GRCh38, chr8:66,154,249, plus strand): 5'-CCCCAGGGAGCGAAGGTCTGGGGCAAATAGGGCCTCCAGGTTCTGAGGATTCGAATGTAC[G>T]GAAGGCAGAAGTGGCAGCAGCCGCAGCGAGTGAGAGGGCAGCTGTGAGTGGTAAGGAAAC-3'
Protein context (NP_908973.1, residues 470-490): GPPGSEDSNV[Arg480Leu]KAEVAAAAAS